The following is an entry in ClinVar:

ClinVar aggregate classification (germline): Uncertain significance (1 of 4 stars; one submission).

Allele frequency attached by ClinVar (database versions not stated): ExAC 0.00001; TOPMed 0.00002; gnomAD 0.00003; 1000 Genomes Project 30x 0.00016; 1000 Genomes Project 0.00020.
gnomAD v4.1: 4 of 1,614,034 alleles (0.00025%); highest among the groups gnomAD compares: African/African-American, 0.004%; no homozygotes.

Submission:

Ambry Genetics
Classification: Uncertain significance. Last evaluated: 2024-11-14. Review status: criteria provided, single submitter. Criteria: Ambry Variant Classification Scheme 2023. Collection method: clinical testing. Allele origin: germline.
Comment: The p.R1092I variant (also known as c.3275G>T), located in coding exon 16 of the POLQ gene, results from a G to T substitution at nucleotide position 3275. The arginine at codon 1092 is replaced by isoleucine, an amino acid with similar properties. This amino acid position is conserved. In addition, this alteration is predicted to be tolerated by in silico analysis. Since supporting evidence is limited at this time, the clinical significance of this alteration remains unclear.

NM_199420.4(POLQ):c.3275G>T (p.Arg1092Ile)

Gene: POLQ (DNA polymerase theta; minus strand). Cytogenetic location: 3q13.33.
Variant type: single nucleotide variant.
Coding change: c.3275G>T on transcript NM_199420.4 (MANE Select); coding-DNA position 3275, G replaced by T.
Protein change: p.Arg1092Ile; replaces arginine 1092 with isoleucine.
Molecular consequence: missense variant.
Genome position (GRCh38, 1-based): chr3:121,489,656, C>A on the plus strand (G>T on the coding strand, the complement: POLQ is on the minus strand). VCF-style: chr3-121489656-C-A. GRCh37 (hg19) VCF-style: chr3-121208503-C-A.
Other names: short protein forms R1092I.
Identifiers: ClinVar variation 1729665 (VCV001729665.3), dbSNP rs545707433, ClinGen allele CA2563084.